The following is an entry in ClinVar:

NM_015559.3(SETBP1):c.923G>A (p.Cys308Tyr)

Gene: SETBP1 (SET binding protein 1; plus strand). Cytogenetic location: 18q12.3.
Variant type: single nucleotide variant.
Coding change: c.923G>A on transcript NM_015559.3 (MANE Select); coding-DNA position 923, G replaced by A.
Protein change: p.Cys308Tyr; replaces cysteine 308 with tyrosine.
Molecular consequence: missense variant.
Genome position (GRCh38, 1-based): chr18:44,950,263, G>A. VCF-style: chr18-44950263-G-A. GRCh37 (hg19) VCF-style: chr18-42530228-G-A.
Other names: c.923G>A, p.Cys308Tyr (NM_001379141.1, NM_001379142.1, NM_001410862.1); short protein forms C308Y.
Identifiers: ClinVar variation 2637527 (VCV002637527.5), dbSNP rs2071309218, ClinGen allele CA402317123.
Genomic context (GRCh38, chr18:44,950,263, plus strand): 5'-GTGTGGCTCCATCCCCAAGCAGCCACAGCTCACCAGCCCCACCCAGCAGCTCTGCTGAGT[G>A]CAACGGGCTTCAGCCCTTGGTGGATCAAGATGGAGGAGGTACAAAGGAGCCCCCAGAACC-3'
Protein context (NP_056374.2, residues 298-318): SPAPPSSSAE[Cys308Tyr]NGLQPLVDQD

ClinVar aggregate classification (germline): Uncertain significance. Review status: criteria provided, multiple submitters, no conflicts (2 of 4 stars). 2 submissions from 2 submitters: Uncertain significance (2). Last evaluated 2025-10-03.

Allele frequency attached by ClinVar (database versions not stated): gnomAD exomes below 0.00001; gnomAD 0.00001; TOPMed 0.00002.
gnomAD v4.1: 3 of 1,613,932 alleles (0.00019%); highest among the groups gnomAD compares: African/African-American, 0.0027%; no homozygotes.

Submissions (2):

Women's Health and Genetics/Laboratory Corporation of America, LabCorp
Classification: Uncertain significance. Last evaluated: 2025-10-03. Review status: criteria provided, single submitter. Criteria: LabCorp Variant Classification Summary - May 2015. Collection method: clinical testing. Allele origin: germline.
Comment: Variant summary: SETBP1 c.923G>A (p.Cys308Tyr) results in a non-conservative amino acid change in the encoded protein sequence. Algorithms developed to predict the effect of missense changes on protein structure and function are either unavailable or do not agree on the potential impact of this missense change. The variant was absent in 247822 control chromosomes. The available data on variant occurrences in the general population are insufficient to allow any conclusion about variant significance. To our knowledge, no occurrence of c.923G>A in individuals affected with SETBP1-related conditions and no experimental evidence demonstrating its impact on protein function have been reported. No submitters have cited clinical-significance assessments for this variant to ClinVar. Based on the evidence outlined above, the variant was classified as uncertain significance.

Labcorp Genetics (formerly Invitae), Labcorp
Classification: Uncertain significance. Last evaluated: 2023-11-10. Review status: criteria provided, single submitter. Criteria: Invitae Variant Classification Sherloc (09022015). Collection method: clinical testing. Allele origin: germline.
Comment: This sequence change replaces cysteine, which is neutral and slightly polar, with tyrosine, which is neutral and polar, at codon 308 of the SETBP1 protein (p.Cys308Tyr). This variant is not present in population databases (gnomAD no frequency). This variant has not been reported in the literature in individuals affected with SETBP1-related conditions. Advanced modeling of protein sequence and biophysical properties (such as structural, functional, and spatial information, amino acid conservation, physicochemical variation, residue mobility, and thermodynamic stability) performed at Invitae indicates that this missense variant is not expected to disrupt SETBP1 protein function with a negative predictive value of 80%. In summary, the available evidence is currently insufficient to determine the role of this variant in disease. Therefore, it has been classified as a Variant of Uncertain Significance.